The following is an entry in ClinVar:

NM_000258.3(MYL3):c.445A>G (p.Met149Val)

Gene: MYL3 (myosin light chain 3; minus strand). Cytogenetic location: 3p21.31.
Variant type: single nucleotide variant.
Coding change: c.445A>G on transcript NM_000258.3 (MANE Select); coding-DNA position 445, A replaced by G.
Protein change: p.Met149Val; replaces methionine 149 with valine.
Molecular consequence: missense variant.
Genome position (GRCh38, 1-based): chr3:46,859,511, T>C on the plus strand (A>G on the coding strand, the complement: MYL3 is on the minus strand). VCF-style: chr3-46859511-T-C. GRCh37 (hg19) VCF-style: chr3-46901001-T-C.
Other names: p.M149V:ATG>GTG; short protein forms M149V.
Identifiers: ClinVar variation 14061 (VCV000014061.10), dbSNP rs104893748, ClinGen allele CA013784.
Genomic context (GRCh38, chr3:46,859,511, plus strand): 5'-GGTAGGGGAGGAGGCTGCCCTCACCCAGCGTGGCCAGCACGTGGCGAAGCTCAGCACCCA[T>C]GACAGTGCCATTGCCCTCCTTGTCGAAGACCCGCAGCCCCTCCACGAAGTCCTCATAGGT-3'
Protein context (NP_000249.1, residues 139-159): VFDKEGNGTV[Met149Val]GAELRHVLAT

ClinVar aggregate classification (germline): Pathogenic/Likely pathogenic. Review status: criteria provided, multiple submitters, no conflicts (2 of 4 stars). 5 submissions from 5 submitters: Pathogenic (2); Likely pathogenic (1). 2 of the submissions do not count toward it. Last evaluated 2026-04-28.

Conditions:
Cardiovascular phenotype. Identifiers: MedGen CN230736.
Hypertrophic cardiomyopathy 8. Also called: MYL3-Related Familial Hypertrophic Cardiomyopathy; CARDIOMYOPATHY, HYPERTROPHIC, MID-LEFT VENTRICULAR CHAMBER TYPE, 1. Identifiers: MedGen C1837471, MONDO:0012111, OMIM 608751.
Hypertrophic cardiomyopathy. Also called: HYPERTROPHIC MYOCARDIOPATHY. Identifiers: Orphanet 217569, MedGen C0007194, MeSH D002312, MONDO:0005045, HP:0001639.

Submissions (5):

Ambry Genetics
Classification: Likely pathogenic for Cardiovascular phenotype. Last evaluated: 2026-04-28. Review status: criteria provided, single submitter. Criteria: Ambry Variant Classification Scheme 2023. Collection method: clinical testing. Allele origin: germline.
Comment: The p.M149V variant (also known as c.445A>G), located in coding exon 4 of the MYL3 gene, results from an A to G substitution at nucleotide position 445. The methionine at codon 149 is replaced by valine, an amino acid with highly similar properties. This variant has been detected in individuals with hypertrophic cardiomyopathy (HCM) and was shown to segregate with disease in multiple affected relatives in a family (Poetter K et al. Nat. Genet., 1996 May;13:63-9; Arad M et al. Circulation, 2005 Nov;112:2805-11; Walsh R et al. Genet. Med., 2017 02;19:192-203; Ambry internal data). Functional studies suggest this variant may impact protein function; however, additional evidence is needed to confirm this finding (Sanbe A et al. Circ Res, 2000 Aug;87:296-302; James J et al. J Mol Cell Cardiol, 2002 Jul;34:873-82; Lossie J et al. Cardiovasc. Res., 2012 Mar;93:390-6; Vemuri R et al. Proc Natl Acad Sci U S A, 1999 Feb;96:1048-53). This variant is considered to be rare based on population cohorts in the Genome Aggregation Database (gnomAD). This amino acid position is highly conserved in available vertebrate species. In addition, this alteration is predicted to be deleterious by in silico analysis. Based on the majority of available evidence to date, this variant is likely to be pathogenic.

Labcorp Genetics (formerly Invitae), Labcorp
Classification: Pathogenic for Hypertrophic cardiomyopathy. Last evaluated: 2026-02-01. Review status: criteria provided, single submitter. Criteria: Invitae Variant Classification Sherloc (09022015). Collection method: clinical testing. Allele origin: germline.
Comment: This sequence change replaces methionine, which is neutral and non-polar, with valine, which is neutral and non-polar, at codon 149 of the MYL3 protein (p.Met149Val). This variant is not present in population databases (gnomAD no frequency). This missense change has been observed in individual(s) with autosomal dominant hypertrophic cardiomyopathy (PMID: 8673105, 16267253). It has also been observed to segregate with disease in related individuals. ClinVar contains an entry for this variant (Variation ID: 14061). An algorithm developed to predict the effect of missense changes on protein structure and function (PolyPhen-2) suggests that this variant is likely to be tolerated. Experimental studies have shown that this missense change affects MYL3 function (PMID: 22131351). For these reasons, this variant has been classified as Pathogenic.

GeneDx
Classification: Pathogenic. Last evaluated: 2017-08-31. Review status: criteria provided, single submitter. Criteria: GeneDx Variant Classification (06012015). Collection method: clinical testing. Allele origin: germline. Affected: yes.
Comment: The Met149Val mutation in the MYL3 gene has been published in association with HCM (Poetter K et al., 1996; Arad M et al., 2005). Poetter et al. reported Met149Val to co-segregate with HCM in one family, and did not detect the mutation in 378 control chromosomes from healthy individuals. Six of the 13 family members with HCM had a phenotype involving mid left ventricular chamber (MVC) thickening apparent in a left ventriculogram (Poetter K et al., 1996). Additionally, this study performed in vitro motility assays and demonstrated that myosin from patients with the Met149Val mutation translocated actin filaments somewhat faster than the control myosin. Previous clinical evaluations in this individual's relatives identified apical HCM in 5 individuals, and typical asymmetrical hypertrophy of the anterior basal septum in 6 individuals. Two other individuals in the family were reported to have heart failure, and 3 others had sudden death. Although Met149Val results in a conservative amino acid replacement of one non-polar residue for another, the Met149 residue is highly conserved across species. Mutations affecting nearby codons (Glu143Lys, Gly152Lys, Arg154His) have been reported in association with HCM, further supporting the functional importance of this region of the protein. In silico analysis predicts this change to be probably damaging to the structure/function of the protein. Furthermore, Met149Val was not observed in approximately 6,500 individuals of European and African American ancestry in the NHLBI Exome Sequencing Project, indicating it is not a common benign variant in these populations. Of note, studies performed on transgenic rabbits harboring the Met149Val mutation in the MYL3 gene failed to recapitulate an HCM phenotype (James J et al., 2002). However, the authors acknowledged the association of Met149Val with HCM in humans and noted that the conflicting data may be due to the young age of the animals used. In summary, Met149Val in the MYL3 gene is interpreted as a disease-causing mutation. The variant is found in HCM panel(s).

Leiden Muscular Dystrophy (MYL3)
No classification provided. Condition: Familial hypertrophic cardiomyopathy 8. Last evaluated: 2012-03-18. Review status: no classification provided. Collection method: curation. Allele origin: germline. Not counted in ClinVar's aggregate classification.

OMIM
Classification: Pathogenic for CARDIOMYOPATHY, FAMILIAL HYPERTROPHIC, 8. Last evaluated: 2005-11-01. Review status: no assertion criteria provided. Collection method: literature only. Allele origin: germline. Not counted in ClinVar's aggregate classification.

Literature cited by the submitters: PubMed 10948063 (cited by Ambry Genetics); PubMed 12099725 (cited by Ambry Genetics); PubMed 16267253 (cited by 3 submitters); PubMed 22131351 (cited by Ambry Genetics and Labcorp Genetics (formerly Invitae), Labcorp); PubMed 27532257 (cited by Ambry Genetics); PubMed 8673105 (cited by 3 submitters); PubMed 9927691 (cited by Ambry Genetics); PubMed 6211078 (cited by OMIM).